The following is an entry in ClinVar:

ClinVar aggregate classification (germline): Uncertain significance (1 of 4 stars; one submission).

Conditions:
Severe combined immunodeficiency due to CORO1A deficiency. Also called: IMMUNODEFICIENCY 8 WITH LYMPHOPROLIFERATION; Immunodeficiency 8. Identifiers: Orphanet 228003, MedGen C3809383, MONDO:0014168, OMIM 615401.

Allele frequency attached by ClinVar (database versions not stated): TOPMed below 0.00001.

Submission:

Labcorp Genetics (formerly Invitae), Labcorp
Classification: Uncertain significance for Severe combined immunodeficiency due to CORO1A deficiency. Last evaluated: 2022-03-24. Review status: criteria provided, single submitter. Criteria: Invitae Variant Classification Sherloc (09022015). Collection method: clinical testing. Allele origin: germline.
Comment: This sequence change replaces proline, which is neutral and non-polar, with serine, which is neutral and polar, at codon 399 of the CORO1A protein (p.Pro399Ser). This variant is present in population databases (no rsID available, gnomAD 0.002%). This variant has not been reported in the literature in individuals affected with CORO1A-related conditions. Algorithms developed to predict the effect of missense changes on protein structure and function output the following: SIFT: "Tolerated"; PolyPhen-2: "Benign"; Align-GVGD: "Class C0". The serine amino acid residue is found in multiple mammalian species, which suggests that this missense change does not adversely affect protein function. In summary, the available evidence is currently insufficient to determine the role of this variant in disease. Therefore, it has been classified as a Variant of Uncertain Significance.

NM_007074.4(CORO1A):c.1195C>T (p.Pro399Ser)

Gene: CORO1A (coronin 1A; plus strand). Cytogenetic location: 16p11.2.
Variant type: single nucleotide variant.
Coding change: c.1195C>T on transcript NM_007074.4 (MANE Select); coding-DNA position 1195, C replaced by T.
Protein change: p.Pro399Ser; replaces proline 399 with serine.
Molecular consequence: missense variant.
Genome position (GRCh38, 1-based): chr16:30,188,490, C>T. VCF-style: chr16-30188490-C-T. GRCh37 (hg19) VCF-style: chr16-30199811-C-T.
Other names: c.1195C>T, p.Pro399Ser (NM_001193333.3); short protein forms P399S.
Identifiers: ClinVar variation 2011166 (VCV002011166.3), dbSNP rs1322390979, ClinGen allele CA395499315.